The following is an entry in ClinVar:

ClinVar aggregate classification (germline): Likely benign. Review status: criteria provided, multiple submitters, no conflicts (2 of 4 stars). 3 submissions from 3 submitters: Likely benign (2). 1 of the submissions does not count toward it. Last evaluated 2025-12-15.

Conditions:
GRM6-related disorder. Also called: GRM6-related condition.

Allele frequency attached by ClinVar (database versions not stated): ESP Exome Variant Server 0.00015; ExAC 0.00022; gnomAD exomes 0.00023 and 0.00054; gnomAD 0.00034 and 0.00037.
gnomAD v4.1: 827 of 1,613,958 alleles (0.051%); highest among the groups gnomAD compares: Non-Finnish European, 0.066%; no homozygotes.

Submissions (3):

Labcorp Genetics (formerly Invitae), Labcorp
Classification: Likely benign. Last evaluated: 2025-12-15. Review status: criteria provided, single submitter. Criteria: Invitae Variant Classification Sherloc (09022015). Collection method: clinical testing. Allele origin: germline.

Blueprint Genetics
Classification: Likely benign. Last evaluated: 2024-11-07. Review status: criteria provided, single submitter. Criteria: ACMG Guidelines, 2015. Collection method: clinical testing. Allele origin: germline.

PreventionGenetics, part of Exact Sciences
Classification: Likely benign for GRM6-related condition. Last evaluated: 2020-01-15. Review status: no assertion criteria provided. Collection method: clinical testing. Allele origin: germline. Not counted in ClinVar's aggregate classification.
Comment: This variant is classified as likely benign based on ACMG/AMP sequence variant interpretation guidelines (Richards et al. 2015 PMID: 25741868, with internal and published modifications).

NM_000843.4(GRM6):c.2340C>T (p.Asn780=)

Genes: GRM6 (glutamate metabotropic receptor 6; minus strand), ZNF454 (zinc finger protein 454; plus strand). Cytogenetic location: 5q35.3.
Variant type: single nucleotide variant.
Coding change: c.2340C>T on transcript NM_000843.4 (MANE Select); coding-DNA position 2340, C replaced by T.
Protein change: p.Asn780=; no amino-acid change (asparagine 780 retained).
Molecular consequence: synonymous variant.
Genome position (GRCh38, 1-based): chr5:178,983,006, G>A on the plus strand (C>T on the coding strand, the complement: GRM6 is on the minus strand). VCF-style: chr5-178983006-G-A. GRCh37 (hg19) VCF-style: chr5-178410007-G-A.
Other names: c.2340C>T (NM_000843.3).
Identifiers: ClinVar variation 1082514 (VCV001082514.12), dbSNP rs147197426, ClinGen allele CA3593564.
Genomic context (GRCh38, chr5:178,983,006, plus strand): 5'-CACGAATGCCAGCCAGATGATGCAGGTGGTGTACATGGTGAAGCCGATGGGCTTGGCCTC[G>A]TTGAAGGTCTCGGGCACGCCACGGGCCTTGATGGCGTACACTGTGCACGTGACCATGAGC-3'
Protein context (NP_000834.2, residues 770-790): IKARGVPETF[Asn780=]EAKPIGFTMY